The following is an entry in ClinVar:

ClinVar aggregate classification (germline): Conflicting classifications of pathogenicity. Review status: criteria provided, conflicting classifications (1 of 4 stars). 9 submissions from 9 submitters: Uncertain significance (2); Likely benign (7). Last evaluated 2026-01-31.

Conditions:
BRCA2-related cancer predisposition. Identifiers: MedGen CN377758, MONDO:0700269.
Hereditary cancer-predisposing syndrome. Also called: Tumor predisposition; Hereditary Cancer Syndrome; Hereditary neoplastic syndrome; Neoplastic Syndromes, Hereditary. Identifiers: Orphanet 140162, MedGen C0027672, MeSH D009386, MONDO:0015356.
Hereditary breast ovarian cancer syndrome. Also called: Breast and ovarian cancer; BRCA1- and BRCA2-Associated Hereditary Breast and Ovarian Cancer; Hereditary breast and ovarian cancer; Hereditary breast and ovarian cancer syndrome (HBOC); Hereditary breast and ovarian cancer syndrome; Hereditary breast and/or ovarian cancer syndrome. Identifiers: Orphanet 145, MedGen C0677776, MeSH D061325, MONDO:0003582. Disease mechanism: loss of function.

Allele frequency attached by ClinVar (database versions not stated): gnomAD exomes below 0.00001 and 0.00001; ExAC 0.00001; gnomAD 0.00001; 1000 Genomes Project 30x 0.00016; 1000 Genomes Project 0.00020.
gnomAD v4.1: 2 of 1,593,364 alleles (0.00013%); highest among the groups gnomAD compares: Admixed American, 0.0018%; no homozygotes.

Submissions (9):

Labcorp Genetics (formerly Invitae), Labcorp
Classification: Likely benign for Hereditary breast ovarian cancer syndrome. Last evaluated: 2026-01-31. Review status: criteria provided, single submitter. Criteria: Invitae Variant Classification Sherloc (09022015). Collection method: clinical testing. Allele origin: germline.

Blueprint Genetics
Classification: Likely benign. Last evaluated: 2024-08-23. Review status: criteria provided, single submitter. Criteria: ACMG Guidelines, 2015. Collection method: clinical testing. Allele origin: germline.

All of Us Research Program, National Institutes of Health
Classification: Likely benign for BRCA2-related cancer predisposition. Last evaluated: 2024-06-11. Review status: criteria provided, single submitter. Criteria: ACMG Guidelines, 2015. Collection method: clinical testing. Allele origin: germline. Inheritance: Autosomal dominant inheritance. Observed: 1 variant allele, 1 heterozygote.
Comment: This study involves interpretation of variants in research participants for the purpose of population health screening. Participant phenotype was not available at the time of variant classification. Additional details can be found in publication PMID: 35346344, PMCID: PMC8962531

Ambry Genetics
Classification: Likely benign for Hereditary cancer-predisposing syndrome. Last evaluated: 2024-04-30. Review status: criteria provided, single submitter. Criteria: Ambry Variant Classification Scheme 2023. Collection method: clinical testing. Allele origin: germline.

Women's Health and Genetics/Laboratory Corporation of America, LabCorp
Classification: Uncertain significance. Last evaluated: 2023-12-01. Review status: criteria provided, single submitter. Criteria: LabCorp Variant Classification Summary - May 2015. Collection method: clinical testing. Allele origin: germline.
Comment: Variant summary: BRCA2 c.3251G>A (p.Ser1084Asn) results in a conservative amino acid change in the encoded protein sequence. Five of five in-silico tools predict a benign effect of the variant on protein function. The variant allele was found at a frequency of 8.5e-06 in 236564 control chromosomes in gnomAD. The available data on variant occurrences in the general population are insufficient to allow any conclusion about variant significance. c.3251G>A has been reported in the literature along with another VUS missense variant in at-lease one individual affected with Breast Cancer, without strong evidence for causality (Lara_2012). In a large study evaluating breast cancer cases and controls in the Breast Cancer Association Consortium (BCAC), the variant was only reported in 1/53461 controls, but not found in cases (Dorling_2021 through LOVD). These report(s) do not provide unequivocal conclusions about association of the variant with Hereditary Breast And Ovarian Cancer Syndrome. To our knowledge, no experimental evidence demonstrating an impact on protein function has been reported. The following publications have been ascertained in the context of this evaluation (PMID: 23096355, 33471991). Five submitters have cited clinical-significance assessments for this variant to ClinVar after 2014 (Likely benign, n=4, VUS, n=1). Based on the evidence outlined above, the variant was classified as uncertain significance.

Quest Diagnostics Nichols Institute San Juan Capistrano
Classification: Uncertain significance. Last evaluated: 2023-09-01. Review status: criteria provided, single submitter. Criteria: Quest Diagnostics criteria. Collection method: clinical testing. Allele origin: unknown.
Comment: In the published literature, this variant has been reported in an individual with breast cancer (PMID: 23096355 (2012)). The frequency of this variant in the general population, 0.0000085 (2/236564 chromosomes (Genome Aggregation Database)), is uninformative in the assessment of its pathogenicity. Analysis of this variant using bioinformatics tools for the prediction of the effect of amino acid changes on protein structure and function yielded predictions that this variant is benign. Based on the available information, we are unable to determine the clinical significance of this variant.

University of Washington Department of Laboratory Medicine, University of Washington
Classification: Likely benign for Hereditary cancer-predisposing syndrome. Last evaluated: 2023-03-23. Review status: criteria provided, single submitter. Criteria: Dines et al. (Genet Med. 2020). Collection method: curation. Allele origin: germline.
Comment: Missense variant in a coldspot region where missense variants are very unlikely to be pathogenic (PMID:31911673).

BRCA2 exon 11 coldspot. Reclassification based on statistical prior probability.

GeneDx
Classification: Likely benign. Last evaluated: 2019-09-03. Review status: criteria provided, single submitter. Criteria: GeneDx Variant Classification Process June 2021. Collection method: clinical testing. Allele origin: germline. Affected: yes.
Comment: This variant is associated with the following publications: (PMID: 23096355, 25925381)

Color Diagnostics, LLC DBA Color Health
Classification: Likely benign for Hereditary cancer-predisposing syndrome. Last evaluated: 2018-05-16. Review status: criteria provided, single submitter. Criteria: ACMG Guidelines, 2015. Collection method: clinical testing. Allele origin: germline.

Literature cited by the submitters: PubMed 23096355 (cited by 3 submitters); PubMed 33471991 (cited by Women's Health and Genetics/Laboratory Corporation of America, LabCorp).

NM_000059.4(BRCA2):c.3251G>A (p.Ser1084Asn)

Gene: BRCA2 (BRCA2 DNA repair associated; plus strand). Cytogenetic location: 13q13.1.
Variant type: single nucleotide variant.
Coding change: c.3251G>A on transcript NM_000059.4 (MANE Select); coding-DNA position 3251, G replaced by A.
Protein change: p.Ser1084Asn; replaces serine 1084 with asparagine.
Molecular consequence: missense variant.
Genome position (GRCh38, 1-based): chr13:32,337,606, G>A. VCF-style: chr13-32337606-G-A. GRCh37 (hg19) VCF-style: chr13-32911743-G-A.
Other names: short protein forms S1084N.
Identifiers: ClinVar variation 415675 (VCV000415675.59), dbSNP rs543748012, ClinGen allele CA6940684.